The following is an entry in ClinVar:

NM_003995.4(NPR2):c.724A>G (p.Arg242Gly)

Gene: NPR2 (natriuretic peptide receptor 2; plus strand). Cytogenetic location: 9p13.3.
Variant type: single nucleotide variant.
Coding change: c.724A>G on transcript NM_003995.4 (MANE Select); coding-DNA position 724, A replaced by G.
Protein change: p.Arg242Gly; replaces arginine 242 with glycine.
Molecular consequence: missense variant.
Genome position (GRCh38, 1-based): chr9:35,793,954, A>G. VCF-style: chr9-35793954-A-G. GRCh37 (hg19) VCF-style: chr9-35793951-A-G.
Other names: c.724A>G, p.Arg242Gly (NM_001378923.1); short protein forms R242G.
Identifiers: ClinVar variation 4788687 (VCV004788687.1).

ClinVar aggregate classification (germline): Uncertain significance (1 of 4 stars; one submission).

Conditions:
Tall stature-scoliosis-macrodactyly of the great toes syndrome. Also called: Epiphyseal chondrodysplasia, miura type. Identifiers: Orphanet 329191, MedGen C4014690, MONDO:0014401, OMIM 615923.
Acromesomelic dysplasia 1, Maroteaux type (AMD1). Also called: ST. HELENA DYSPLASIA; ACROMESOMELIC DYSPLASIA 1. Identifiers: Orphanet 40, MedGen C1864356, MONDO:0011275, OMIM 602875.

gnomAD v4.1: 4 of 1,614,052 alleles (0.00025%); highest among the groups gnomAD compares: African/African-American, 0.0053%; no homozygotes.

Submission:

Labcorp Genetics (formerly Invitae), Labcorp
Classification: Uncertain significance for Tall stature-scoliosis-macrodactyly of the great toes syndrome; Acromesomelic dysplasia 1, Maroteaux type. Last evaluated: 2025-12-01. Review status: criteria provided, single submitter. Criteria: Invitae Variant Classification Sherloc (09022015). Collection method: clinical testing. Allele origin: germline.
Comment: This sequence change replaces arginine, which is basic and polar, with glycine, which is neutral and non-polar, at codon 242 of the NPR2 protein (p.Arg242Gly). This variant is not present in population databases (gnomAD no frequency). This variant has not been reported in the literature in individuals affected with NPR2-related conditions. Invitae Evidence Modeling of protein sequence and biophysical properties (such as structural, functional, and spatial information, amino acid conservation, physicochemical variation, residue mobility, and thermodynamic stability) indicates that this missense variant is not expected to disrupt NPR2 protein function with a negative predictive value of 80%. In summary, the available evidence is currently insufficient to determine the role of this variant in disease. Therefore, it has been classified as a Variant of Uncertain Significance.